The following is an entry in ClinVar:

NM_015215.4(CAMTA1):c.1415G>A (p.Gly472Asp)

Gene: CAMTA1 (calmodulin binding transcription activator 1; plus strand). Cytogenetic location: 1p36.23.
Variant type: single nucleotide variant.
Coding change: c.1415G>A on transcript NM_015215.4 (MANE Select); coding-DNA position 1415, G replaced by A.
Protein change: p.Gly472Asp; replaces glycine 472 with aspartic acid.
Molecular consequence: missense variant.
Genome position (GRCh38, 1-based): chr1:7,663,962, G>A. VCF-style: chr1-7663962-G-A. GRCh37 (hg19) VCF-style: chr1-7724022-G-A.
Other names: c.1325G>A, p.Gly442Asp (NM_001349608.2, NM_001349612.2); c.1415G>A, p.Gly472Asp (NM_001349609.2, NM_001349610.2, NM_001410737.1); c.1343G>A, p.Gly448Asp (NM_001410738.1); short protein forms G442D, G448D, G472D.
Identifiers: ClinVar variation 3026785 (VCV003026785.22), dbSNP rs2523718551, ClinGen allele CA338127294.

ClinVar aggregate classification (germline): Uncertain significance (1 of 4 stars; one submission).

gnomAD v4.1: 1 of 1,613,818 alleles (0.000062%); no homozygotes.

Submission:

CeGaT Center for Human Genetics Tuebingen
Classification: Uncertain significance. Last evaluated: 2024-01-01. Review status: criteria provided, single submitter. Criteria: CeGaT Center For Human Genetics Tuebingen Variant Classification Criteria Version 2. Collection method: clinical testing. Allele origin: germline. Affected: yes. Observed: 1 variant allele.
Comment: CAMTA1: PM2, BP4